The following is an entry in ClinVar:

ClinVar aggregate classification (germline): Likely benign (1 of 4 stars; one submission).

Conditions:
Malignant hyperthermia, susceptibility to, 1 (MHS1). Also called: Anesthesia related hyperthermia; Malignant hyperpyrexia; Fulminating hyperpyrexia; Pharmacogenic myopathy; RYR1-Related Malignant Hyperthermia Susceptibility; Malignant hyperthermia suceptibility 1. Identifiers: Orphanet 423, MedGen C2930980, MONDO:0007783, OMIM 145600.

Submission:

All of Us Research Program, National Institutes of Health
Classification: Likely benign for Malignant hyperthermia, susceptibility to, 1. Last evaluated: 2023-08-15. Review status: criteria provided, single submitter. Criteria: ACMG Guidelines, 2015. Collection method: clinical testing. Allele origin: germline. Inheritance: Autosomal dominant inheritance. Observed: 1 variant allele, 1 heterozygote.
Comment: This study involves interpretation of variants in research participants for the purpose of population health screening. Participant phenotype was not available at the time of variant classification. Additional details can be found in publication PMID: 35346344, PMCID: PMC8962531

NM_000540.3(RYR1):c.9686-11C>T

Gene: RYR1 (ryanodine receptor 1; plus strand). Cytogenetic location: 19q13.2.
Variant type: single nucleotide variant.
Coding change: c.9686-11C>T on transcript NM_000540.3 (MANE Select); 11 bases into the intron before coding-DNA position 9686, C replaced by T.
Molecular consequence: intron variant.
Genome position (GRCh38, 1-based): chr19:38,517,348, C>T. VCF-style: chr19-38517348-C-T. GRCh37 (hg19) VCF-style: chr19-39007988-C-T.
Other names: c.9686-11C>T (NM_001042723.2).
Identifiers: ClinVar variation 3072674 (VCV003072674.1), dbSNP rs2514432034, ClinGen allele CA2532896915.